The following is an entry in ClinVar:

NM_015346.4(ZFYVE26):c.2813A>C (p.Asp938Ala)

Gene: ZFYVE26 (zinc finger FYVE-type containing 26; minus strand). Cytogenetic location: 14q24.1.
Variant type: single nucleotide variant.
Coding change: c.2813A>C on transcript NM_015346.4 (MANE Select); coding-DNA position 2813, A replaced by C.
Protein change: p.Asp938Ala; replaces aspartic acid 938 with alanine.
Molecular consequence: missense variant.
Genome position (GRCh38, 1-based): chr14:67,789,541, T>G on the plus strand (A>C on the coding strand, the complement: ZFYVE26 is on the minus strand). VCF-style: chr14-67789541-T-G. GRCh37 (hg19) VCF-style: chr14-68256258-T-G.
Other names: c.2813A>C (NM_015346.3); short protein forms D938A.
Identifiers: ClinVar variation 2181491 (VCV002181491.2), dbSNP rs777379622, ClinGen allele CA7240163.

ClinVar aggregate classification (germline): Uncertain significance. Review status: criteria provided, multiple submitters, no conflicts (2 of 4 stars). 2 submissions from 2 submitters: Uncertain significance (2). Last evaluated 2022-08-19.

Conditions:
Spastic paraplegia. Identifiers: MedGen C0037772, HP:0001258.
Inborn genetic diseases. Identifiers: MedGen C0950123, MeSH D030342.

Allele frequency attached by ClinVar (database versions not stated): gnomAD 0.00001; gnomAD exomes 0.00002; TOPMed 0.00002; ExAC 0.00004.
gnomAD v4.1: 13 of 1,613,904 alleles (0.00081%); highest among the groups gnomAD compares: Admixed American, 0.022%; no homozygotes.

Submissions (2):

Labcorp Genetics (formerly Invitae), Labcorp
Classification: Uncertain significance for Spastic paraplegia. Last evaluated: 2022-08-19. Review status: criteria provided, single submitter. Criteria: Invitae Variant Classification Sherloc (09022015). Collection method: clinical testing. Allele origin: germline.
Comment: This sequence change replaces aspartic acid, which is acidic and polar, with alanine, which is neutral and non-polar, at codon 938 of the ZFYVE26 protein (p.Asp938Ala). The frequency data for this variant in the population databases is considered unreliable, as metrics indicate poor data quality at this position in the gnomAD database. This variant has not been reported in the literature in individuals affected with ZFYVE26-related conditions. Algorithms developed to predict the effect of missense changes on protein structure and function (SIFT, PolyPhen-2, Align-GVGD) all suggest that this variant is likely to be tolerated. In summary, the available evidence is currently insufficient to determine the role of this variant in disease. Therefore, it has been classified as a Variant of Uncertain Significance.

Ambry Genetics
Classification: Uncertain significance for Inborn genetic diseases. Last evaluated: 2021-12-07. Review status: criteria provided, single submitter. Criteria: Ambry Variant Classification Scheme 2023. Collection method: clinical testing. Allele origin: germline.